The following is an entry in ClinVar:

ClinVar aggregate classification (germline): Likely benign. Review status: criteria provided, multiple submitters, no conflicts (2 of 4 stars). 3 submissions from 3 submitters: Likely benign (3). Last evaluated 2026-05-01.

Allele frequency attached by ClinVar (database versions not stated): TOPMed below 0.00001; gnomAD exomes 0.00001.
gnomAD v4.1: 4 of 1,613,694 alleles (0.00025%); highest among the groups gnomAD compares: Non-Finnish European, 0.00034%; no homozygotes.

Submissions (3):

CeGaT Center for Human Genetics Tuebingen
Classification: Likely benign. Last evaluated: 2026-05-01. Review status: criteria provided, single submitter. Criteria: CeGaT Center For Human Genetics Tuebingen Variant Classification Criteria Version 2. Collection method: clinical testing. Allele origin: germline. Affected: yes. Observed: 1 variant allele.
Comment: MYO7A: BP4, BP7

Labcorp Genetics (formerly Invitae), Labcorp
Classification: Likely benign. Last evaluated: 2026-01-13. Review status: criteria provided, single submitter. Criteria: Invitae Variant Classification Sherloc (09022015). Collection method: clinical testing. Allele origin: germline.

Blueprint Genetics
Classification: Likely benign. Last evaluated: 2022-03-03. Review status: criteria provided, single submitter. Criteria: ACMG Guidelines, 2015. Collection method: clinical testing. Allele origin: germline.

NM_000260.4(MYO7A):c.1791C>T (p.Val597=)

Gene: MYO7A (myosin VIIA; plus strand). Cytogenetic location: 11q13.5.
Variant type: single nucleotide variant.
Coding change: c.1791C>T on transcript NM_000260.4 (MANE Select); coding-DNA position 1791, C replaced by T.
Protein change: p.Val597=; no amino-acid change (valine 597 retained).
Molecular consequence: synonymous variant.
Genome position (GRCh38, 1-based): chr11:77,166,156, C>T. VCF-style: chr11-77166156-C-T. GRCh37 (hg19) VCF-style: chr11-76877202-C-T.
Other names: c.1791C>T, p.Val597= (NM_001127180.2); c.1758C>T, p.Val586= (NM_001369365.1).
Identifiers: ClinVar variation 1156067 (VCV001156067.12), dbSNP rs1293973474, ClinGen allele CA475794151.